The following is an entry in ClinVar:

ClinVar aggregate classification (germline): Pathogenic (1 of 4 stars; one submission).

Submission:

ISCA site 17
Classification: Pathogenic. Last evaluated: 2011-08-12. Review status: criteria provided, single submitter. Criteria: Kaminsky et al. (Genet Med. 2011). Collection method: clinical testing. Allele origin: unknown. Affected: yes. Observed: 1 variant allele.
Comment: Copy number variation identified through the course of routine clinical cytogenomic testing in postnatal populations. Clinical assertions have been curated as described in Kaminsky et al. 2011.

GRCh38/hg38 22q11.21(chr22:18145252-21151128)x1

Genes: AIFM3 (AIF family member 3; plus strand), ARVCF (ARVCF delta catenin family member; minus strand), C22orf39 (chromosome 22 open reading frame 39; minus strand), CCDC188 (coiled-coil domain containing 188; minus strand), CDC45 (cell division cycle 45; plus strand) and 189 more. Cytogenetic location: 22q11.21.
Variant type: copy number loss.
Change: copy number 1 (one copy instead of two) of chr22:18,145,252-21,151,128 (3.01 Mb, GRCh38 coordinates, 1-based), cytogenetic band 22q11.21.
Identifiers: ClinVar variation 160947 (VCV000160947.1).